The following is an entry in ClinVar:

ClinVar aggregate classification (germline): Likely benign (1 of 4 stars; one submission).

gnomAD v4.1: 12,896 of 1,568,218 alleles (0.82%); highest among the groups gnomAD compares: Middle Eastern, 1.2%; 69 homozygotes.

Submission:

CeGaT Center for Human Genetics Tuebingen
Classification: Likely benign. Last evaluated: 2026-08-01. Review status: criteria provided, single submitter. Criteria: CeGaT Center For Human Genetics Tuebingen Variant Classification Criteria Version 2. Collection method: clinical testing. Allele origin: germline. Affected: yes. Observed: 1 variant allele.
Comment: ATG4B: BS2

NM_013325.5(ATG4B):c.269G>A (p.Arg90Gln)

Gene: ATG4B (autophagy related 4B cysteine peptidase; plus strand). Cytogenetic location: 2q37.3.
Variant type: single nucleotide variant.
Coding change: c.269G>A on transcript NM_013325.5 (MANE Select); coding-DNA position 269, G replaced by A.
Protein change: p.Arg90Gln; replaces arginine 90 with glutamine.
Molecular consequence: missense variant.
Genome position (GRCh38, 1-based): chr2:241,653,596, G>A. VCF-style: chr2-241653596-G-A. GRCh37 (hg19) VCF-style: chr2-242593011-G-A.
Other names: c.269G>A, p.Arg90Gln (NM_178326.3); short protein forms R90Q.
Identifiers: ClinVar variation 5038529 (VCV005038529.1).